The following is an entry in ClinVar:

ClinVar aggregate classification (germline): Uncertain significance. Review status: criteria provided, multiple submitters, no conflicts (2 of 4 stars). 2 submissions from 2 submitters: Uncertain significance (2). Last evaluated 2025-12-16.

Conditions:
Inborn genetic diseases. Identifiers: MedGen C0950123, MeSH D030342.
Autosomal dominant nocturnal frontal lobe epilepsy 5. Also called: Epilepsy, nocturnal frontal lobe, 5; KCNT1-Related Epilepsy; CILIARY DYSKINESIA, PRIMARY, 28, WITHOUT SITUS INVERSUS; CILIARY DYSKINESIA, PRIMARY, 28, WITH SITUS INVERSUS. Identifiers: Orphanet 98784, MedGen C3554306, MONDO:0014002, OMIM 615005.
Developmental and epileptic encephalopathy, 14 (DEE14). Also called: Early infantile epileptic encephalopathy 14. Identifiers: Orphanet 293181, MedGen C3554195, MONDO:0013989, OMIM 614959.

gnomAD v4.1: 1 of 1,550,418 alleles (0.000064%); no homozygotes.

Submissions (2):

Labcorp Genetics (formerly Invitae), Labcorp
Classification: Uncertain significance for Autosomal dominant nocturnal frontal lobe epilepsy 5; Developmental and epileptic encephalopathy, 14. Last evaluated: 2025-12-16. Review status: criteria provided, single submitter. Criteria: Invitae Variant Classification Sherloc (09022015). Collection method: clinical testing. Allele origin: germline.
Comment: This sequence change replaces aspartic acid, which is acidic and polar, with histidine, which is basic and polar, at codon 448 of the KCNT1 protein (p.Asp448His). This variant is not present in population databases (gnomAD no frequency). This variant has not been reported in the literature in individuals affected with KCNT1-related conditions. ClinVar contains an entry for this variant (Variation ID: 2150962). Invitae Evidence Modeling of protein sequence and biophysical properties (such as structural, functional, and spatial information, amino acid conservation, physicochemical variation, residue mobility, and thermodynamic stability) indicates that this missense variant is not expected to disrupt KCNT1 protein function with a negative predictive value of 80%. In summary, the available evidence is currently insufficient to determine the role of this variant in disease. Therefore, it has been classified as a Variant of Uncertain Significance.

Ambry Genetics
Classification: Uncertain significance for Inborn genetic diseases. Last evaluated: 2024-11-08. Review status: criteria provided, single submitter. Criteria: Ambry Variant Classification Scheme 2023. Collection method: clinical testing. Allele origin: germline.

NM_020822.3(KCNT1):c.1342G>C (p.Asp448His)

Gene: KCNT1 (potassium sodium-activated channel subfamily T member 1; plus strand). Cytogenetic location: 9q34.3.
Variant type: single nucleotide variant.
Coding change: c.1342G>C on transcript NM_020822.3 (MANE Select); coding-DNA position 1342, G replaced by C.
Protein change: p.Asp448His; replaces aspartic acid 448 with histidine.
Molecular consequence: missense variant.
Genome position (GRCh38, 1-based): chr9:135,768,614, G>C. VCF-style: chr9-135768614-G-C. GRCh37 (hg19) VCF-style: chr9-138660460-G-C.
Other names: c.1342G>C (NM_020822.2); c.1207G>C, p.Asp403His (NM_001272003.2); short protein forms D448H, D403H.
Identifiers: ClinVar variation 2150962 (VCV002150962.5), dbSNP rs2490941646, ClinGen allele CA375504541.